The following is an entry in ClinVar:

NM_001031689.3(PLAA):c.1136A>G (p.Asp379Gly)

Gene: PLAA (phospholipase A2 activating protein; minus strand). Cytogenetic location: 9p21.2.
Variant type: single nucleotide variant.
Coding change: c.1136A>G on transcript NM_001031689.3 (MANE Select); coding-DNA position 1136, A replaced by G.
Protein change: p.Asp379Gly; replaces aspartic acid 379 with glycine.
Molecular consequence: missense variant.
Genome position (GRCh38, 1-based): chr9:26,920,288, T>C on the plus strand (A>G on the coding strand, the complement: PLAA is on the minus strand). VCF-style: chr9-26920288-T-C. GRCh37 (hg19) VCF-style: chr9-26920286-T-C.
Other names: c.1136A>G, p.Asp379Gly (NM_001321546.2); c.1136A>G (NM_001031689.2); short protein forms D379G.
Identifiers: ClinVar variation 1349571 (VCV001349571.4), dbSNP rs759222398, ClinGen allele CA5014458.

ClinVar aggregate classification (germline): Uncertain significance. Review status: criteria provided, multiple submitters, no conflicts (2 of 4 stars). 2 submissions from 2 submitters: Uncertain significance (2). Last evaluated 2023-05-26.

Conditions:
Inborn genetic diseases. Identifiers: MedGen C0950123, MeSH D030342.

Allele frequency attached by ClinVar (database versions not stated): ExAC 0.00001; gnomAD 0.00002; gnomAD exomes 0.00002 and 0.00004; TOPMed 0.00002.
gnomAD v4.1: 33 of 1,613,836 alleles (0.002%); highest among the groups gnomAD compares: Non-Finnish European, 0.0025%; no homozygotes.

Submissions (2):

Ambry Genetics
Classification: Uncertain significance for Inborn genetic diseases. Last evaluated: 2023-05-26. Review status: criteria provided, single submitter. Criteria: Ambry Variant Classification Scheme 2023. Collection method: clinical testing. Allele origin: germline.

Labcorp Genetics (formerly Invitae), Labcorp
Classification: Uncertain significance. Last evaluated: 2022-10-14. Review status: criteria provided, single submitter. Criteria: Invitae Variant Classification Sherloc (09022015). Collection method: clinical testing. Allele origin: germline.
Comment: This sequence change replaces aspartic acid, which is acidic and polar, with glycine, which is neutral and non-polar, at codon 379 of the PLAA protein (p.Asp379Gly). This variant is present in population databases (rs759222398, gnomAD 0.004%). This variant has not been reported in the literature in individuals affected with PLAA-related conditions. ClinVar contains an entry for this variant (Variation ID: 1349571). Advanced modeling of protein sequence and biophysical properties (such as structural, functional, and spatial information, amino acid conservation, physicochemical variation, residue mobility, and thermodynamic stability) performed at Invitae indicates that this missense variant is expected to disrupt PLAA protein function. In summary, the available evidence is currently insufficient to determine the role of this variant in disease. Therefore, it has been classified as a Variant of Uncertain Significance.